The following is an entry in ClinVar:

ClinVar aggregate classification (germline): Uncertain significance (1 of 4 stars; one submission).

Conditions:
Anauxetic dysplasia. Identifiers: Orphanet 93347, MedGen C1846796, MONDO:0011773.

Submission:

Labcorp Genetics (formerly Invitae), Labcorp
Classification: Uncertain significance for Anauxetic dysplasia. Last evaluated: 2025-05-27. Review status: criteria provided, single submitter. Criteria: Invitae Variant Classification Sherloc (09022015). Collection method: clinical testing. Allele origin: germline.
Comment: This variant occurs in the RMRP gene, which encodes an RNA molecule that does not result in a protein product. This variant is not present in population databases (gnomAD no frequency). This variant has not been reported in the literature in individuals affected with RMRP-related conditions. Experimental studies and prediction algorithms are not available or were not evaluated, and the functional significance of this variant is currently unknown. In summary, the available evidence is currently insufficient to determine the role of this variant in disease. Therefore, it has been classified as a Variant of Uncertain Significance.

NC_000009.12:g.35658059G>T

Gene: RMRP (RNA component of mitochondrial RNA processing endoribonuclease; minus strand). Cytogenetic location: 9p13.3.
Variant type: single nucleotide variant.
Genome position: GRCh38 VCF-style: chr9-35658059-G-T. GRCh37 (hg19) VCF-style: chr9-35658056-G-T.
Identifiers: ClinVar variation 1978225 (VCV001978225.4), dbSNP rs1171316483, ClinGen allele CA1846127750.